The following is an entry in ClinVar:

NM_170606.3(KMT2C):c.8552C>G (p.Thr2851Ser)

Gene: KMT2C (lysine methyltransferase 2C; minus strand). Cytogenetic location: 7q36.1.
Variant type: single nucleotide variant.
Coding change: c.8552C>G on transcript NM_170606.3 (MANE Select); coding-DNA position 8552, C replaced by G.
Protein change: p.Thr2851Ser; replaces threonine 2851 with serine.
Molecular consequence: missense variant.
Genome position (GRCh38, 1-based): chr7:152,176,901, G>C on the plus strand (C>G on the coding strand, the complement: KMT2C is on the minus strand). VCF-style: chr7-152176901-G-C. GRCh37 (hg19) VCF-style: chr7-151873986-G-C.
Other names: short protein forms T2851S.
Identifiers: ClinVar variation 134777 (VCV000134777.4), dbSNP rs151261105, ClinGen allele CA160725.
Genomic context (GRCh38, chr7:152,176,901, plus strand): 5'-TGCAAAGAAGTCTTTTCTCCATCATTTAGGTCTGAGTGAGCAGAAGCCTGTGAGCAAGGA[G>C]TGTCAACATTATCTTTATTCTCATCATTTTTTTCAGTTTCACATTTGGATTCCACCTTAG-3'
Protein context (NP_733751.2, residues 2841-2861): KNDENKDNVD[Thr2851Ser]PCSQASAHSD

ClinVar aggregate classification (germline): Benign. Review status: criteria provided, single submitter (1 of 4 stars). 2 submissions from 2 submitters: Benign (1). 1 of the submissions does not count toward it. Last evaluated 2024-04-02.

Allele frequency attached by ClinVar (database versions not stated): ExAC 0.00001; gnomAD exomes 0.00001; ESP Exome Variant Server 0.00008; gnomAD 0.00014 and 0.00015; TOPMed 0.00014.
gnomAD v4.1: 33 of 1,614,076 alleles (0.002%); highest among the groups gnomAD compares: African/African-American, 0.036%; no homozygotes.

Submissions (2):

Labcorp Genetics (formerly Invitae), Labcorp
Classification: Benign. Last evaluated: 2024-04-02. Review status: criteria provided, single submitter. Criteria: Invitae Variant Classification Sherloc (09022015). Collection method: clinical testing. Allele origin: germline.

ITMI
No classification provided. Condition: AllHighlyPenetrant. Last evaluated: 2013-09-19. Review status: no classification provided. Collection method: reference population. Allele origin: germline. Not counted in ClinVar's aggregate classification.
Comment: Please see associated publication for description of ethnicities

Literature cited by the submitters: PubMed 24728327 (cited by ITMI).